The following is an entry in ClinVar:

ClinVar aggregate classification (germline): Uncertain significance. Review status: criteria provided, multiple submitters, no conflicts (2 of 4 stars). 3 submissions from 3 submitters: Uncertain significance (3). Last evaluated 2025-11-20.

Allele frequency attached by ClinVar (database versions not stated): gnomAD exomes 0.00003 and 0.00002; TOPMed 0.00002; gnomAD 0.00001; ExAC 0.00002.
gnomAD v4.1: 48 of 1,613,996 alleles (0.003%); highest among the groups gnomAD compares: Non-Finnish European, 0.0039%; no homozygotes.

Submissions (3):

Ambry Genetics
Classification: Uncertain significance. Last evaluated: 2025-11-20. Review status: criteria provided, single submitter. Criteria: Ambry Variant Classification Scheme 2023. Collection method: clinical testing. Allele origin: germline.

GeneDx
Classification: Uncertain significance. Last evaluated: 2022-08-29. Review status: criteria provided, single submitter. Criteria: GeneDx Variant Classification Process June 2021. Collection method: clinical testing. Allele origin: germline. Affected: yes.
Comment: In silico analysis supports that this missense variant does not alter protein structure/function; Has not been previously published as pathogenic or benign to our knowledge; Variants in candidate genes are classified as variants of uncertain significance in accordance with ACMG guidelines (Richards et al., 2015)

Labcorp Genetics (formerly Invitae), Labcorp
Classification: Uncertain significance. Last evaluated: 2022-08-23. Review status: criteria provided, single submitter. Criteria: Invitae Variant Classification Sherloc (09022015). Collection method: clinical testing. Allele origin: germline.
Comment: This sequence change replaces isoleucine, which is neutral and non-polar, with threonine, which is neutral and polar, at codon 840 of the RUSC2 protein (p.Ile840Thr). This variant is present in population databases (rs750157973, gnomAD 0.004%). This variant has not been reported in the literature in individuals affected with RUSC2-related conditions. ClinVar contains an entry for this variant (Variation ID: 1447993). Algorithms developed to predict the effect of missense changes on protein structure and function output the following: SIFT: "Tolerated"; PolyPhen-2: "Benign"; Align-GVGD: "Class C0". The threonine amino acid residue is found in multiple mammalian species, which suggests that this missense change does not adversely affect protein function. In summary, the available evidence is currently insufficient to determine the role of this variant in disease. Therefore, it has been classified as a Variant of Uncertain Significance.

NM_014806.5(RUSC2):c.2519T>C (p.Ile840Thr)

Gene: RUSC2 (RUN and SH3 domain containing 2; plus strand). Cytogenetic location: 9p13.3.
Variant type: single nucleotide variant.
Coding change: c.2519T>C on transcript NM_014806.5 (MANE Select); coding-DNA position 2519, T replaced by C.
Protein change: p.Ile840Thr; replaces isoleucine 840 with threonine.
Molecular consequence: missense variant. On other transcripts: 5 prime UTR variant (1), non-coding transcript variant (1).
Genome position (GRCh38, 1-based): chr9:35,555,564, T>C. VCF-style: chr9-35555564-T-C. GRCh37 (hg19) VCF-style: chr9-35555561-T-C.
Other names: c.2519T>C (NM_001135999.1); c.2519T>C, p.Ile840Thr (NM_001135999.2); c.-116T>C (NM_001330740.2); short protein forms I840T.
Identifiers: ClinVar variation 1447993 (VCV001447993.6), dbSNP rs750157973, ClinGen allele CA5043886.